The following is an entry in ClinVar:

ClinVar aggregate classification (germline): Uncertain significance (1 of 4 stars; one submission).

Allele frequency attached by ClinVar (database versions not stated): ExAC 0.00001; gnomAD exomes 0.00001; TOPMed 0.00001; gnomAD 0.00003.
gnomAD v4.1: 17 of 1,614,020 alleles (0.0011%); highest among the groups gnomAD compares: South Asian, 0.0022%; no homozygotes.

Submission:

Labcorp Genetics (formerly Invitae), Labcorp
Classification: Uncertain significance. Last evaluated: 2023-01-15. Review status: criteria provided, single submitter. Criteria: Invitae Variant Classification Sherloc (09022015). Collection method: clinical testing. Allele origin: germline.
Comment: This variant has not been reported in the literature in individuals affected with IGSF10-related conditions. In summary, the available evidence is currently insufficient to determine the role of this variant in disease. Therefore, it has been classified as a Variant of Uncertain Significance. Algorithms developed to predict the effect of missense changes on protein structure and function output the following: SIFT: "Tolerated"; PolyPhen-2: "Benign"; Align-GVGD: "Class C0". The threonine amino acid residue is found in multiple mammalian species, which suggests that this missense change does not adversely affect protein function. This variant is present in population databases (rs755403180, gnomAD 0.003%). This sequence change replaces arginine, which is basic and polar, with threonine, which is neutral and polar, at codon 2577 of the IGSF10 protein (p.Arg2577Thr).

NM_178822.5(IGSF10):c.7730G>C (p.Arg2577Thr)

Gene: IGSF10 (immunoglobulin superfamily member 10; minus strand). Cytogenetic location: 3q25.1.
Variant type: single nucleotide variant.
Coding change: c.7730G>C on transcript NM_178822.5 (MANE Select); coding-DNA position 7730, G replaced by C.
Protein change: p.Arg2577Thr; replaces arginine 2577 with threonine.
Molecular consequence: missense variant.
Genome position (GRCh38, 1-based): chr3:151,436,831, C>G on the plus strand (G>C on the coding strand, the complement: IGSF10 is on the minus strand). VCF-style: chr3-151436831-C-G. GRCh37 (hg19) VCF-style: chr3-151154619-C-G.
Other names: c.1667G>C, p.Arg556Thr (NM_001178145.3, NM_001178146.3); c.7730G>C, p.Arg2577Thr (NM_001385060.1, NM_001385061.1, NM_001385062.1 and 1 more transcripts); short protein forms R2577T, R556T.
Identifiers: ClinVar variation 2722741 (VCV002722741.3), dbSNP rs755403180, ClinGen allele CA2669189.
Genomic context (GRCh38, chr3:151,436,831, plus strand): 5'-GTTTGGGGATTCTGAATGACTAGGGTACCTTGTAAGTGAAGCTGCTCACTTCCATGTGTC[C>G]TCTCTTTACTTGCCGTTGAGAGAAGGGAGTGGTCAGGCATCTCCCATGTGATTTCTGGCT-3'
Protein context (NP_849144.2, residues 2567-2587): HSLLSTASKE[Arg2577Thr]THGSEQLHLQ